The following is an entry in ClinVar:

ClinVar aggregate classification (germline): Pathogenic (1 of 4 stars; one submission).

Conditions:
Legius syndrome. Identifiers: Orphanet 137605, MedGen C1969623, MONDO:0012669, OMIM 611431. Disease mechanism: loss of function.

Submission:

Labcorp Genetics (formerly Invitae), Labcorp
Classification: Pathogenic for Legius syndrome. Last evaluated: 2018-11-05. Review status: criteria provided, single submitter. Criteria: Invitae Variant Classification Sherloc (09022015). Collection method: clinical testing. Allele origin: germline.
Comment: For these reasons, this variant has been classified as Pathogenic. This variant disrupts the C-terminus of the SPRED1 protein. ther variant(s) that disrupt this region (p.Arg349Glyfs*11 and p.Gly385Ilefs*20) have been determined to be pathogenic (PMID: 21089071, 21649642, 17704776). This suggests that variants that disrupt this region of the protein are likely to be causative of disease. Experimental studies and prediction algorithms are not available for this variant, and the functional significance of the affected amino acid(s) is currently unknown. This variant has not been reported in the literature in individuals with SPRED1-related disease. This variant is not present in population databases (ExAC no frequency). This sequence change results in a premature translational stop signal in the SPRED1 gene (p.Lys301*). While this is not anticipated to result in nonsense mediated decay, it is expected to disrupt the last 144 amino acids of the SPRED1 protein.

Literature cited by the submitters: PubMed 21089071; PubMed 21649642; PubMed 17704776.

NM_152594.3(SPRED1):c.900dup (p.Lys301Ter)

Gene: SPRED1 (sprouty related EVH1 domain containing 1; plus strand). Cytogenetic location: 15q14.
Variant type: Duplication.
Coding change: c.900dup on transcript NM_152594.3 (MANE Select); coding-DNA position 900, one base duplicated (T; older notation c.900dupT).
Protein change: p.Lys301Ter; replaces lysine 301 with a stop codon.
Molecular consequence: nonsense.
Genome position (GRCh38, 1-based): chr15:38,351,229, T duplicated. VCF-style (leftmost placement, unchanged base first): chr15-38351228-C-CT. GRCh37 (hg19) VCF-style: chr15-38643429-C-CT.
Other names: c.900dupT (NM_152594.2); short protein forms K301*.
Identifiers: ClinVar variation 640306 (VCV000640306.9), dbSNP rs1595763656, ClinGen allele CA915946530.
Genomic context (GRCh38, chr15:38,351,228, plus strand): 5'-TTCAGTTTTCTAAACCAGACAGTAAAAAATCAGACTATCTGTACTCTTGTGGGGATGAGA[C>CT]TAAGTTAAGTTCACCCAAAGACTCTGTGGTATTTAAGACGCAGCCTTCCTCATTAAAAAT-3'